The following is an entry in ClinVar:

ClinVar aggregate classification (germline): Benign. Review status: criteria provided, multiple submitters, no conflicts (2 of 4 stars). 2 submissions from 2 submitters: Benign (2). Last evaluated 2018-06-14.

Allele frequency attached by ClinVar (database versions not stated): 1000 Genomes Project 30x 0.17848; 1000 Genomes Project 0.18031; TOPMed 0.27774.
gnomAD v4.1: 43,733 of 152,096 alleles (29%); highest among the groups gnomAD compares: Non-Finnish European, 38%; 7,158 homozygotes.

Submissions (2):

GeneDx
Classification: Benign. Last evaluated: 2018-06-14. Review status: criteria provided, single submitter. Criteria: GeneDx Variant Classification (06012015). Collection method: clinical testing. Allele origin: germline. Affected: yes.
Comment: This variant is considered likely benign or benign based on one or more of the following criteria: it is a conservative change, it occurs at a poorly conserved position in the protein, it is predicted to be benign by multiple in silico algorithms, and/or has population frequency not consistent with disease.

Breakthrough Genomics
Classification: Benign. Review status: criteria provided, single submitter. Criteria: ACMG Guidelines, 2015. Collection method: not provided. Allele origin: germline. Inheritance: Autosomal recessive inheritance. Affected: yes.

NM_001457.4(FLNB):c.5181+171C>T

Gene: FLNB (filamin B; plus strand). Cytogenetic location: 3p14.3.
Variant type: single nucleotide variant.
Coding change: c.5181+171C>T on transcript NM_001457.4 (MANE Select); 171 bases into the intron after coding-DNA position 5181, C replaced by T.
Molecular consequence: intron variant.
Genome position (GRCh38, 1-based): chr3:58,142,100, C>T. VCF-style: chr3-58142100-C-T. GRCh37 (hg19) VCF-style: chr3-58127827-C-T.
Other names: c.5274+171C>T (NM_001164317.2); c.5148+204C>T (NM_001164318.2); c.5110-550C>T (NM_001164319.2).
Identifiers: ClinVar variation 683139 (VCV000683139.2), dbSNP rs34336464, ClinGen allele CA11362525.